The following is an entry in ClinVar:

NM_012401.4(PLXNB2):c.2679+8C>T

Gene: PLXNB2 (plexin B2; minus strand). Cytogenetic location: 22q13.33.
Variant type: single nucleotide variant.
Coding change: c.2679+8C>T on transcript NM_012401.4 (MANE Select); 8 bases into the intron after coding-DNA position 2679, C replaced by T.
Molecular consequence: intron variant.
Genome position (GRCh38, 1-based): chr22:50,283,329, G>A on the plus strand (C>T on the coding strand, the complement: PLXNB2 is on the minus strand). VCF-style: chr22-50283329-G-A. GRCh37 (hg19) VCF-style: chr22-50721758-G-A.
Other names: c.2679+8C>T (NM_001376869.1, NM_001376885.1, NM_001376866.1 and 18 more transcripts); c.2586+8C>T (NM_001376886.1); c.2748+8C>T (NM_001376865.1).
Identifiers: ClinVar variation 4820705 (VCV004820705.4).

ClinVar aggregate classification (germline): Likely benign (1 of 4 stars; one submission).

gnomAD v4.1: 4,102 of 1,612,580 alleles (0.25%); highest among the groups gnomAD compares: Non-Finnish European, 0.33%; 10 homozygotes.

Submission:

CeGaT Center for Human Genetics Tuebingen
Classification: Likely benign. Last evaluated: 2026-02-01. Review status: criteria provided, single submitter. Criteria: CeGaT Center For Human Genetics Tuebingen Variant Classification Criteria Version 2. Collection method: clinical testing. Allele origin: germline. Affected: yes. Observed: 1 variant allele.
Comment: PLXNB2: BP4